The following is an entry in ClinVar:

ClinVar aggregate classification (germline): Uncertain significance (1 of 4 stars; one submission).

Conditions:
Joubert syndrome 23 (JBTS23). Identifiers: Orphanet 475, MedGen C4084822, MONDO:0014664, OMIM 616490.
Short-rib thoracic dysplasia 14 with polydactyly (SRTD14). Identifiers: Orphanet 397715, MedGen C4225286, MONDO:0014688, OMIM 616546.

Submission:

Labcorp Genetics (formerly Invitae), Labcorp
Classification: Uncertain significance for Joubert syndrome 23; Short-rib thoracic dysplasia 14 with polydactyly. Last evaluated: 2022-04-12. Review status: criteria provided, single submitter. Criteria: Invitae Variant Classification Sherloc (09022015). Collection method: clinical testing. Allele origin: germline.
Comment: In summary, the available evidence is currently insufficient to determine the role of this variant in disease. Therefore, it has been classified as a Variant of Uncertain Significance. Algorithms developed to predict the effect of missense changes on protein structure and function output the following: SIFT: "Tolerated"; PolyPhen-2: "Benign"; Align-GVGD: "Class C0". The isoleucine amino acid residue is found in multiple mammalian species, which suggests that this missense change does not adversely affect protein function. This sequence change replaces valine, which is neutral and non-polar, with isoleucine, which is neutral and non-polar, at codon 55 of the KIAA0586 protein (p.Val55Ile). This variant is not present in population databases (gnomAD no frequency). This variant has not been reported in the literature in individuals affected with KIAA0586-related conditions.

NM_001329943.3(KIAA0586):c.127G>A (p.Val43Ile)

Gene: KIAA0586 (KIAA0586; plus strand). Cytogenetic location: 14q23.1.
Variant type: single nucleotide variant.
Coding change: c.127G>A on transcript NM_001329943.3 (MANE Select); coding-DNA position 127, G replaced by A.
Protein change: p.Val43Ile; replaces valine 43 with isoleucine.
Molecular consequence: missense variant. On other transcripts: intron variant (5).
Genome position (GRCh38, 1-based): chr14:58,428,391, G>A. VCF-style: chr14-58428391-G-A. GRCh37 (hg19) VCF-style: chr14-58895109-G-A.
Other names: c.127G>A, p.Val43Ile (NM_001329944.2, NM_001329946.2, NM_001329947.2 and 1 more transcripts); c.-57+754G>A (NM_001244192.2, NM_001244191.2); c.-57+578G>A (NM_001364701.2, NM_001329945.2, NM_001364700.1); c.163G>A, p.Val55Ile (NM_001244189.2); c.82G>A, p.Val28Ile (NM_001244190.2); short protein forms V43I, V55I, V28I.
Identifiers: ClinVar variation 2125553 (VCV002125553.4), dbSNP rs2542433705, ClinGen allele CA389859190.